The following is an entry in ClinVar:

NM_002860.4(ALDH18A1):c.1411G>A (p.Val471Ile)

Gene: ALDH18A1 (aldehyde dehydrogenase 18 family member A1; minus strand). Cytogenetic location: 10q24.1.
Variant type: single nucleotide variant.
Coding change: c.1411G>A on transcript NM_002860.4 (MANE Select); coding-DNA position 1411, G replaced by A.
Protein change: p.Val471Ile; replaces valine 471 with isoleucine.
Molecular consequence: missense variant.
Genome position (GRCh38, 1-based): chr10:95,621,087, C>T on the plus strand (G>A on the coding strand, the complement: ALDH18A1 is on the minus strand). VCF-style: chr10-95621087-C-T. GRCh37 (hg19) VCF-style: chr10-97380844-C-T.
Other names: c.1405G>A, p.Val469Ile (NM_001017423.2, NM_001323415.2); c.1078G>A, p.Val360Ile (NM_001323412.2, NM_001323416.2); c.1411G>A, p.Val471Ile (NM_001323413.2, NM_001323414.2); c.1306G>A, p.Val436Ile (NM_001323417.2); c.1072G>A, p.Val358Ile (NM_001323418.2); c.775G>A, p.Val259Ile (NM_001323419.2); short protein forms V259I, V469I, V436I, V358I, V360I, V471I.
Identifiers: ClinVar variation 1406769 (VCV001406769.9), dbSNP rs778369085, ClinGen allele CA5620326.

ClinVar aggregate classification (germline): Uncertain significance (1 of 4 stars; one submission).

Conditions:
de Barsy syndrome. Also called: Cutis laxa-corneal clouding-oligophrenia syndrome. Identifiers: Orphanet 2962, MedGen C0268354, MONDO:0017569.
Autosomal dominant spastic paraplegia type 9. Identifiers: MedGen C1832669, MONDO:0015091.
Cutis laxa, autosomal dominant 3 (ADCL3). Identifiers: Orphanet 90348, MedGen C4225268, MONDO:0014706, OMIM 616603.

Allele frequency attached by ClinVar (database versions not stated): gnomAD exomes below 0.00001; ExAC 0.00001.

Submission:

Labcorp Genetics (formerly Invitae), Labcorp
Classification: Uncertain significance for Autosomal dominant spastic paraplegia type 9; de Barsy syndrome; Cutis laxa, autosomal dominant 3. Last evaluated: 2021-06-11. Review status: criteria provided, single submitter. Criteria: Invitae Variant Classification Sherloc (09022015). Collection method: clinical testing. Allele origin: germline.
Comment: This sequence change replaces valine with isoleucine at codon 471 of the ALDH18A1 protein (p.Val471Ile). The valine residue is highly conserved and there is a small physicochemical difference between valine and isoleucine. This variant is present in population databases (rs778369085, ExAC 0.001%). This variant has not been reported in the literature in individuals with ALDH18A1-related conditions. Algorithms developed to predict the effect of missense changes on protein structure and function are either unavailable or do not agree on the potential impact of this missense change (SIFT: "Deleterious"; PolyPhen-2: "Probably Damaging"; Align-GVGD: "Class C0"). In summary, the available evidence is currently insufficient to determine the role of this variant in disease. Therefore, it has been classified as a Variant of Uncertain Significance.